The following is an entry in ClinVar:

NM_000878.5(IL2RB):c.498G>T (p.Glu166Asp)

Gene: IL2RB (interleukin 2 receptor subunit beta; minus strand). Cytogenetic location: 22q12.3.
Variant type: single nucleotide variant.
Coding change: c.498G>T on transcript NM_000878.5 (MANE Select); coding-DNA position 498, G replaced by T.
Protein change: p.Glu166Asp; replaces glutamic acid 166 with aspartic acid.
Molecular consequence: missense variant.
Genome position (GRCh38, 1-based): chr22:37,137,626, C>A on the plus strand (G>T on the coding strand, the complement: IL2RB is on the minus strand). VCF-style: chr22-37137626-C-A. GRCh37 (hg19) VCF-style: chr22-37533666-C-A.
Other names: c.498G>T, p.Glu166Asp (NM_001346222.1, NM_001346223.2); short protein forms E166D.
Identifiers: ClinVar variation 2886054 (VCV002886054.1), dbSNP rs2517839935, ClinGen allele CA411427989.
Genomic context (GRCh38, chr22:37,137,626, plus strand): 5'-CGGACTGGGCCACATTCTCACCTCCCAGGTGTGGCCTGGGGACAGCGTCCGGGCCTCGAA[C>A]TCCAGGTGTCTTTCAAAGTAGTGGGAGGCTTGGGAGATTTCCCAGCTTATGTTGCATCTG-3'
Protein context (NP_000869.1, residues 156-176): QASHYFERHL[Glu166Asp]FEARTLSPGH

ClinVar aggregate classification (germline): Uncertain significance (1 of 4 stars; one submission).

Submission:

Labcorp Genetics (formerly Invitae), Labcorp
Classification: Uncertain significance. Last evaluated: 2022-11-19. Review status: criteria provided, single submitter. Criteria: Invitae Variant Classification Sherloc (09022015). Collection method: clinical testing. Allele origin: germline.
Comment: In summary, the available evidence is currently insufficient to determine the role of this variant in disease. Therefore, it has been classified as a Variant of Uncertain Significance. Algorithms developed to predict the effect of missense changes on protein structure and function (SIFT, PolyPhen-2, Align-GVGD) all suggest that this variant is likely to be tolerated. This variant has not been reported in the literature in individuals affected with IL2RB-related conditions. This variant is not present in population databases (gnomAD no frequency). This sequence change replaces glutamic acid, which is acidic and polar, with aspartic acid, which is acidic and polar, at codon 166 of the IL2RB protein (p.Glu166Asp).